The following is an entry in ClinVar:

ClinVar aggregate classification (germline): Uncertain significance (1 of 4 stars; one submission).

Conditions:
Catecholaminergic polymorphic ventricular tachycardia 1. Also called: RYR2-Related Catecholaminergic Polymorphic Ventricular Tachycardia; VENTRICULAR TACHYCARDIA, CATECHOLAMINERGIC POLYMORPHIC, 1, WITH OR WITHOUT ATRIAL DYSFUNCTION AND/OR DILATED CARDIOMYOPATHY; VENTRICULAR TACHYCARDIA, STRESS-INDUCED POLYMORPHIC 1. Identifiers: Orphanet 3286, MedGen C1631597, MONDO:0011484, OMIM 604772.

Submission:

Labcorp Genetics (formerly Invitae), Labcorp
Classification: Uncertain significance for Catecholaminergic polymorphic ventricular tachycardia 1. Last evaluated: 2024-04-16. Review status: criteria provided, single submitter. Criteria: Invitae Variant Classification Sherloc (09022015). Collection method: clinical testing. Allele origin: germline.
Comment: This sequence change falls in intron 47 of the RYR2 gene. It does not directly change the encoded amino acid sequence of the RYR2 protein. It affects a nucleotide within the consensus splice site. This variant is not present in population databases (gnomAD no frequency). This variant has not been reported in the literature in individuals affected with RYR2-related conditions. Variants that disrupt the consensus splice site are a relatively common cause of aberrant splicing (PMID: 17576681, 9536098). Algorithms developed to predict the effect of sequence changes on RNA splicing suggest that this variant is not likely to affect RNA splicing. In summary, the available evidence is currently insufficient to determine the role of this variant in disease. Therefore, it has been classified as a Variant of Uncertain Significance.

Literature cited by the submitters: PubMed 17576681; PubMed 9536098.

NM_001035.3(RYR2):c.7221+3G>A

Gene: RYR2 (ryanodine receptor 2; plus strand). Cytogenetic location: 1q43.
Variant type: single nucleotide variant.
Coding change: c.7221+3G>A on transcript NM_001035.3 (MANE Select); 3 bases into the intron after coding-DNA position 7221, G replaced by A.
Molecular consequence: intron variant.
Genome position (GRCh38, 1-based): chr1:237,641,005, G>A. VCF-style: chr1-237641005-G-A. GRCh37 (hg19) VCF-style: chr1-237804305-G-A.
Identifiers: ClinVar variation 3650054 (VCV003650054.2).